The following is an entry in ClinVar:

NM_001613.4(ACTA2):c.977C>A (p.Thr326Asn)

Genes: ACTA2 (actin alpha 2, smooth muscle; minus strand), ACTA2-AS1 (ACTA2 antisense RNA 1; plus strand). Cytogenetic location: 10q23.31.
Variant type: single nucleotide variant.
Coding change: c.977C>A on transcript NM_001613.4 (MANE Select); coding-DNA position 977, C replaced by A.
Protein change: p.Thr326Asn; replaces threonine 326 with asparagine.
Molecular consequence: missense variant.
Genome position (GRCh38, 1-based): chr10:88,938,074, G>T on the plus strand (C>A on the coding strand, the complement: ACTA2 is on the minus strand). VCF-style: chr10-88938074-G-T. GRCh37 (hg19) VCF-style: chr10-90697831-G-T.
Other names: c.977C>A, p.Thr326Asn (NM_001141945.3, NM_001320855.2, NM_001406462.1 and 2 more transcripts); c.866C>A, p.Thr289Asn (NM_001406466.1); c.848C>A, p.Thr283Asn (NM_001406467.1, NM_001406468.1, NM_001406469.1); c.785C>A, p.Thr262Asn (NM_001406471.1); short protein forms T326N, T289N, T262N, T283N.
Identifiers: ClinVar variation 263430 (VCV000263430.32), dbSNP rs777832794, ClinGen allele CA030129.

ClinVar aggregate classification (germline): Uncertain significance. Review status: criteria provided, multiple submitters, no conflicts (2 of 4 stars). 11 submissions from 11 submitters: Uncertain significance (10). 1 of the submissions does not count toward it. Last evaluated 2025-11-15.

Conditions:
ACTA2-related disorder. Also called: ACTA2-related condition; ACTA2-related disorders.
Aortic aneurysm, familial thoracic 6 (AAT6). Also called: FAMILIAL THORACIC AORTIC ANEURYSM WITH LIVEDO RETICULARIS AND IRIS FLOCCULI. Identifiers: MedGen C2673186, MONDO:0012730, OMIM 611788.
Multisystemic smooth muscle dysfunction syndrome (SMDYS). Also called: MYDRIASIS, CONGENITAL, WITH PATENT DUCTUS ARTERIOSUS, THORACIC AORTIC ANEURYSM, AND VASCULOPATHY; SMOOTH MUSCLE DYSFUNCTION SYNDROME. Identifiers: Orphanet 404463, MedGen C3151201, MONDO:0013452, OMIM 613834.
Moyamoya disease 5 (MYMY5). Identifiers: Orphanet 2573, MedGen C3279690, MONDO:0013542, OMIM 614042.
Familial thoracic aortic aneurysm and aortic dissection (TAAD). Also called: Thoracic aortic aneurysms and dissections. Identifiers: Orphanet 91387, MedGen C4707243, MONDO:0019625.

Allele frequency attached by ClinVar (database versions not stated): gnomAD 0.00003; TOPMed 0.00003; gnomAD exomes 0.00006; ExAC 0.00013.
gnomAD v4.1: 52 of 1,613,824 alleles (0.0032%); highest among the groups gnomAD compares: Non-Finnish European, 0.0042%; no homozygotes.

Submissions (11):

Labcorp Genetics (formerly Invitae), Labcorp
Classification: Uncertain significance for Aortic aneurysm, familial thoracic 6. Last evaluated: 2025-11-15. Review status: criteria provided, single submitter. Criteria: Invitae Variant Classification Sherloc (09022015). Collection method: clinical testing. Allele origin: germline.
Comment: This sequence change replaces threonine, which is neutral and polar, with asparagine, which is neutral and polar, at codon 326 of the ACTA2 protein (p.Thr326Asn). This variant is present in population databases (rs777832794, gnomAD 0.01%). This missense change has been observed in individuals with clinical features of ACTA2-related conditions (PMID: 19409525, 28659821, 37937776; internal data). ClinVar contains an entry for this variant (Variation ID: 263430). Invitae Evidence Modeling of protein sequence and biophysical properties (such as structural, functional, and spatial information, amino acid conservation, physicochemical variation, residue mobility, and thermodynamic stability) indicates that this missense variant is not expected to disrupt ACTA2 protein function with a negative predictive value of 80%. In summary, the available evidence is currently insufficient to determine the role of this variant in disease. Therefore, it has been classified as a Variant of Uncertain Significance.

GeneDx
Classification: Uncertain significance. Last evaluated: 2025-07-28. Review status: criteria provided, single submitter. Criteria: GeneDx Variant Classification Process June 2021. Collection method: clinical testing. Allele origin: germline. Affected: yes.
Comment: Has been reported in one individual with coronary artery stenosis and unrelated individuals with bicuspid aortic valve and thoracic aortic aneurysm (PMID: 19409525, 28659821); In silico analysis suggests that this missense variant does not alter protein structure/function; This variant is associated with the following publications: (PMID: 20689142, 28848449, 28659821, 36053285, 19409525, 37937776)

Color Diagnostics, LLC DBA Color Health
Classification: Uncertain significance for Familial thoracic aortic aneurysm and aortic dissection. Last evaluated: 2025-05-27. Review status: criteria provided, single submitter. Criteria: ACMG Guidelines, 2015. Collection method: clinical testing. Allele origin: germline.
Comment: This missense variant replaces threonine with asparagine at codon 326 of the ACTA2 protein. Computational prediction tool is inconclusive regarding the impact of this variant on protein structure and function. To our knowledge, functional studies have not been reported for this variant. This variant has been reported in individuals affected with thoracic aortic aneurysm and aortic dissection or ACTA2-related conditions (PMID: 19409525, 28659821, 36053285, ClinVar SCV000646322.2). This variant has also been observed in four individuals who had no history of aortic dissection or surgical repair of aortic aneurysms (PMID: 25759435). This variant has been identified in 15/250886 chromosomes in the general population by the Genome Aggregation Database (gnomAD). The available evidence is insufficient to determine the role of this variant in disease conclusively. Therefore, this variant is classified as a Variant of Uncertain Significance.

All of Us Research Program, National Institutes of Health
Classification: Uncertain significance for Familial thoracic aortic aneurysm and aortic dissection. Last evaluated: 2024-09-27. Review status: criteria provided, single submitter. Criteria: ACMG Guidelines, 2015. Collection method: clinical testing. Allele origin: germline. Inheritance: Autosomal dominant inheritance. Observed: 14 variant alleles, 14 heterozygotes.
Comment: This missense variant replaces threonine with asparagine at codon 326 of the ACTA2 protein. Computational prediction is inconclusive regarding the impact of this variant on protein structure and function (internally defined REVEL score threshold 0.5 < inconclusive < 0.7, PMID: 27666373). To our knowledge, functional studies have not been reported for this variant. This variant has been reported in individuals affected with thoracic aortic aneurysm and aortic dissection or ACTA2-related conditions (PMID: 19409525, 28659821, 36053285, ClinVar SCV000646322.2). This variant has also been observed in four individuals who had no history of aortic dissection or surgical repair of aortic aneurysms (PMID: 25759435). This variant has been identified in 15/250886 chromosomes in the general population by the Genome Aggregation Database (gnomAD). The available evidence is insufficient to determine the role of this variant in disease conclusively. Therefore, this variant is classified as a Variant of Uncertain Significance.

This study involves interpretation of variants in research participants for the purpose of population health screening. Participant phenotype was not available at the time of variant classification. Additional details can be found in publication PMID: 35346344, PMCID: PMC8962531

Blueprint Genetics
Classification: Uncertain significance. Last evaluated: 2024-08-27. Review status: criteria provided, single submitter. Criteria: ACMG Guidelines, 2015. Collection method: clinical testing. Allele origin: germline.

Fulgent Genetics
Classification: Uncertain significance for Aortic aneurysm, familial thoracic 6; Multisystemic smooth muscle dysfunction syndrome; Moyamoya disease 5. Last evaluated: 2024-05-20. Review status: criteria provided, single submitter. Criteria: ACMG Guidelines, 2015. Collection method: clinical testing. Allele origin: germline.

Ambry Genetics
Classification: Uncertain significance for Familial thoracic aortic aneurysm and aortic dissection. Last evaluated: 2024-04-12. Review status: criteria provided, single submitter. Criteria: Ambry Variant Classification Scheme 2023. Collection method: clinical testing. Allele origin: germline.
Comment: The p.T326N variant (also known as c.977C>A), located in coding exon 7 of the ACTA2 gene, results from a C to A substitution at nucleotide position 977. The threonine at codon 326 is replaced by asparagine, an amino acid with similar properties. This amino acid position is highly conserved in available vertebrate species. In addition, the in silico prediction for this alteration is inconclusive. Since supporting evidence is limited at this time, the clinical significance of this variant remains unclear.

ARUP Laboratories, Molecular Genetics and Genomics, ARUP Laboratories
Classification: Uncertain significance. Last evaluated: 2023-09-15. Review status: criteria provided, single submitter. Criteria: ARUP Molecular Germline Variant Investigation Process 2024. Collection method: clinical testing. Allele origin: germline.
Comment: The ACTA2 c.977C>A; p.Thr326Asn variant (rs777832794) is reported in the literature in individuals affected with bicuspid aortic valve, thoracic aortic aneurysm, and stroke (Gillis 2017, Guo 2009, Regalado 2015, van den Bersselaar 2022). This variant is also reported in ClinVar (Variation ID: 263430), and is found in the non-Finnish European population with an allele frequency of 0.013% (15/113270 alleles) in the Genome Aggregation Database. Computational analyses are uncertain whether this variant is neutral or deleterious (REVEL: 0.504). Due to limited information, the clinical significance of this variant is uncertain at this time. References: Gillis E et al. Candidate Gene Resequencing in a Large Bicuspid Aortic Valve-Associated Thoracic Aortic Aneurysm Cohort: SMAD6 as an Important Contributor. Front Physiol. 2017 Jun 13;8:400. PMID: 28659821. Guo DC et al. Mutations in smooth muscle alpha-actin (ACTA2) cause coronary artery disease, stroke, and Moyamoya disease, along with thoracic aortic disease. Am J Hum Genet. 2009 May;84(5):617-27. PMID: 19409525. Regalado ES et al. Aortic Disease Presentation and Outcome Associated With ACTA2 Mutations. Circ Cardiovasc Genet. 2015 Jun;8(3):457-64. PMID: 25759435. van den Bersselaar LM et al. Expanding the genetic and phenotypic spectrum of ACTA2-related vasculopathies in a Dutch cohort. Genet Med. 2022 Oct;24(10):2112-2122. PMID: 36053285.

Clinical Genetics Laboratory, Skane University Hospital Lund
Classification: Uncertain significance. Last evaluated: 2022-05-27. Review status: criteria provided, single submitter. Criteria: ACMG Guidelines, 2015. Collection method: clinical testing. Allele origin: germline. Affected: yes.

Women's Health and Genetics/Laboratory Corporation of America, LabCorp
Classification: Uncertain significance. Last evaluated: 2019-09-30. Review status: criteria provided, single submitter. Criteria: LabCorp Variant Classification Summary - May 2015. Collection method: clinical testing. Allele origin: germline.
Comment: Variant summary: ACTA2 c.977C>A (p.Thr326Asn) results in a non-conservative amino acid change in the encoded protein sequence. Three of five in-silico tools predict a damaging effect of the variant on protein function. The variant allele was found at a frequency of 6e-05 in 250886 control chromosomes. The observed variant frequency is approximately 3.4 fold the estimated maximal expected allele frequency for a pathogenic variant in ACTA2 causing Aortopathy phenotype (1.8e-05), strongly suggesting that the variant is benign. c.977C>A has been reported in the literature in individuals affected with TAA, stroke, and myocardial infarction (Guo_2009, Gillis_2017). These data do not allow any conclusion about variant significance. To our knowledge, no experimental evidence demonstrating an impact on protein function has been reported. Three clinical diagnostic laboratories have submitted clinical-significance assessments for this variant to ClinVar after 2014 without evidence for independent evaluation. All laboratories classified the variant as uncertain significance. Based on the evidence outlined above, the variant was classified as VUS - possibly benign.

PreventionGenetics, part of Exact Sciences
Classification: Uncertain significance for ACTA2-related condition. Last evaluated: 2023-12-20. Review status: no assertion criteria provided. Collection method: clinical testing. Allele origin: germline. Not counted in ClinVar's aggregate classification.
Comment: The ACTA2 c.977C>A variant is predicted to result in the amino acid substitution p.Thr326Asn. This variant has been reported in three individuals from two families with symptoms consistent with ACTA2-related aortic disease (Guo et al. 2009. PubMed ID: 19409525). However, this variant has also been observed in four members of an additional family (median age: 55 years; range 35 -75 years) who were all negative for aortic aneurysm/dissection events at the time of study (Regalado et al. 2015. PubMed ID: 25759435). This variant is reported in 0.013% of alleles in individuals of European (Non-Finnish) descent in gnomAD. At this time, the clinical significance of this variant is uncertain due to the absence of conclusive functional and genetic evidence.

Literature cited by the submitters: PubMed 19409525 (cited by 5 submitters); PubMed 28659821 (cited by 5 submitters); PubMed 37937776 (cited by Labcorp Genetics (formerly Invitae), Labcorp); PubMed 25759435 (cited by 4 submitters); PubMed 36053285 (cited by 3 submitters); PubMed 21248741 (cited by Ambry Genetics and Women's Health and Genetics/Laboratory Corporation of America, LabCorp).